The following is an entry in ClinVar:

ClinVar aggregate classification (germline): Pathogenic. Review status: criteria provided, multiple submitters, no conflicts (2 of 4 stars). 6 submissions from 6 submitters: Pathogenic (3). 3 of the submissions do not count toward it. Last evaluated 2024-11-18.

Conditions:
BEST1-related disorder. Also called: BEST1-related condition; BEST1-related disorders. Identifiers: MedGen CN239200.
Retinal dystrophy. Also called: Inherited retinal dystrophy. Identifiers: Orphanet 71862, MedGen C0854723, MeSH D058499, MONDO:0019118, HP:0000556.
Vitelliform macular dystrophy 2. Also called: Best Macular Dystrophy; Best Vitelliform Macular Dystrophy (BVMD); Best vitelliform macular dystrophy, multifocal; VITELLIFORM MACULAR DYSTROPHY, EARLY-ONSET; VITELLIFORM MACULAR DYSTROPHY, JUVENILE-ONSET; MACULAR DEGENERATION, POLYMORPHIC VITELLINE. Identifiers: Orphanet 1243, MedGen C2745945, MONDO:0007931, OMIM 153700.

Submissions (6):

Labcorp Genetics (formerly Invitae), Labcorp
Classification: Pathogenic. Last evaluated: 2024-11-18. Review status: criteria provided, single submitter. Criteria: Invitae Variant Classification Sherloc (09022015). Collection method: clinical testing. Allele origin: germline.
Comment: This sequence change replaces tyrosine, which is neutral and polar, with histidine, which is basic and polar, at codon 85 of the BEST1 protein (p.Tyr85His). This variant is not present in population databases (gnomAD no frequency). This missense change has been observed in individuals with autosomal dominant Best vitelliform macular dystrophy (PMID: 20375334, 21473666). It has also been observed to segregate with disease in related individuals. ClinVar contains an entry for this variant (Variation ID: 2728). Invitae Evidence Modeling of protein sequence and biophysical properties (such as structural, functional, and spatial information, amino acid conservation, physicochemical variation, residue mobility, and thermodynamic stability) indicates that this missense variant is expected to disrupt BEST1 protein function with a positive predictive value of 95%. Experimental studies have shown that this missense change affects BEST1 function (PMID: 11904445, 17110374, 21330666, 23880862). For these reasons, this variant has been classified as Pathogenic.

Blueprint Genetics
Classification: Pathogenic for BEST1-related disorders. Last evaluated: 2022-03-14. Review status: criteria provided, single submitter. Criteria: ACMG Guidelines, 2015. Collection method: clinical testing. Allele origin: germline. Affected: yes. Observed: 3 variant alleles.

Institute of Human Genetics, Univ. Regensburg, Univ. Regensburg
Classification: Pathogenic for Retinal dystrophy. Last evaluated: 2017-01-01. Review status: criteria provided, single submitter. Criteria: ACMG Guidelines, 2015. Collection method: clinical testing. Allele origin: germline. Affected: yes.

Department of Clinical Genetics, Copenhagen University Hospital, Rigshospitalet
Classification: Likely pathogenic for Vitelliform macular dystrophy type 2. Last evaluated: 2018-04-01. Review status: no assertion criteria provided. Collection method: research. Allele origin: unknown. Affected: yes. Study: VeluxRD. Not counted in ClinVar's aggregate classification.

OMIM
Classification: Pathogenic for MACULAR DYSTROPHY, VITELLIFORM, 2. Last evaluated: 1998-07-01. Review status: no assertion criteria provided. Collection method: literature only. Allele origin: germline. Not counted in ClinVar's aggregate classification.

Retina International
No classification provided. Review status: no classification provided. Collection method: not provided. Allele origin: not provided. Not counted in ClinVar's aggregate classification.

Literature cited by the submitters: PubMed 20375334 (cited by Labcorp Genetics (formerly Invitae), Labcorp); PubMed 21473666 (cited by Labcorp Genetics (formerly Invitae), Labcorp); PubMed 11904445 (cited by Labcorp Genetics (formerly Invitae), Labcorp); PubMed 17110374 (cited by Labcorp Genetics (formerly Invitae), Labcorp); PubMed 21330666 (cited by Labcorp Genetics (formerly Invitae), Labcorp); PubMed 23880862 (cited by Labcorp Genetics (formerly Invitae), Labcorp and Institute of Human Genetics, Univ. Regensburg, Univ. Regensburg); PubMed 9662395 (cited by Institute of Human Genetics, Univ. Regensburg, Univ. Regensburg and OMIM); PubMed 10617923 (cited by Institute of Human Genetics, Univ. Regensburg, Univ. Regensburg); PubMed 30718709 (cited by Department of Clinical Genetics, Copenhagen University Hospital, Rigshospitalet).

NM_004183.4(BEST1):c.253T>C (p.Tyr85His)

Gene: BEST1 (bestrophin 1; plus strand). Cytogenetic location: 11q12.3.
Variant type: single nucleotide variant.
Coding change: c.253T>C on transcript NM_004183.4 (MANE Select); coding-DNA position 253, T replaced by C.
Protein change: p.Tyr85His; replaces tyrosine 85 with histidine.
Molecular consequence: missense variant. On other transcripts: non-coding transcript variant (1).
Genome position (GRCh38, 1-based): chr11:61,955,723, T>C. VCF-style: chr11-61955723-T-C. GRCh37 (hg19) VCF-style: chr11-61723195-T-C.
Other names: c.73T>C, p.Tyr25His (NM_001139443.3, NM_001300786.2, NM_001300787.2); c.-66T>C (NM_001363591.3); c.253T>C, p.Tyr85His (NM_001363592.2); c.-923T>C (NM_001363593.3); short protein forms Y85H, Y25H.
Identifiers: ClinVar variation 2728 (VCV000002728.15), dbSNP rs28940274, ClinGen allele CA227750.